The following is an entry in ClinVar:

ClinVar aggregate classification (germline): Uncertain significance. Review status: criteria provided, multiple submitters, no conflicts (2 of 4 stars). 3 submissions from 3 submitters: Uncertain significance (3). Last evaluated 2025-01-15.

Conditions:
Ataxia-telangiectasia syndrome (AT). Also called: Ataxia-telangiectasia, complementation group D; Cerebello-oculocutaneous telangiectasia; Immunodeficiency with ataxia telangiectasia; LOUIS-BAR SYNDROME; Ataxia-telangiectasia; AT, COMPLEMENTATION GROUP C. Identifiers: Orphanet 100, MedGen C0004135, MONDO:0008840, OMIM 208900.

Submissions (3):

Labcorp Genetics (formerly Invitae), Labcorp
Classification: Uncertain significance for Ataxia-telangiectasia syndrome. Last evaluated: 2025-01-15. Review status: criteria provided, single submitter. Criteria: Invitae Variant Classification Sherloc (09022015). Collection method: clinical testing. Allele origin: germline.
Comment: This sequence change replaces leucine, which is neutral and non-polar, with arginine, which is basic and polar, at codon 432 of the ATM protein (p.Leu432Arg). This variant is not present in population databases (gnomAD no frequency). This variant has not been reported in the literature in individuals affected with ATM-related conditions. ClinVar contains an entry for this variant (Variation ID: 928470). Invitae Evidence Modeling of protein sequence and biophysical properties (such as structural, functional, and spatial information, amino acid conservation, physicochemical variation, residue mobility, and thermodynamic stability) indicates that this missense variant is not expected to disrupt ATM protein function with a negative predictive value of 95%. In summary, the available evidence is currently insufficient to determine the role of this variant in disease. Therefore, it has been classified as a Variant of Uncertain Significance.

Quest Diagnostics Nichols Institute San Juan Capistrano
Classification: Uncertain significance. Last evaluated: 2021-06-23. Review status: criteria provided, single submitter. Criteria: Quest Diagnostics criteria. Collection method: clinical testing. Allele origin: unknown.

Women's Health and Genetics/Laboratory Corporation of America, LabCorp
Classification: Uncertain significance. Last evaluated: 2019-05-17. Review status: criteria provided, single submitter. Criteria: LabCorp Variant Classification Summary - May 2015. Collection method: clinical testing. Allele origin: germline.
Comment: Variant summary: ATM c.1295T>G (p.Leu432Arg) results in a non-conservative amino acid change in the encoded protein sequence. Four of five in-silico tools predict a damaging effect of the variant on protein function. The variant was absent in 250832 control chromosomes. The available data on variant occurrences in the general population are insufficient to allow any conclusion about variant significance. To our knowledge, no occurrence of c.1295T>G in individuals affected with Ataxia-Telangiectasia and no experimental evidence demonstrating its impact on protein function have been reported. No clinical diagnostic laboratories have submitted clinical-significance assessments for this variant to ClinVar after 2014. Based on the evidence outlined above, the variant was classified as uncertain significance.

NM_000051.4(ATM):c.1295T>G (p.Leu432Arg)

Gene: ATM (ATM serine/threonine kinase; plus strand). Cytogenetic location: 11q22.3.
Variant type: single nucleotide variant.
Coding change: c.1295T>G on transcript NM_000051.4 (MANE Select); coding-DNA position 1295, T replaced by G.
Protein change: p.Leu432Arg; replaces leucine 432 with arginine.
Molecular consequence: missense variant.
Genome position (GRCh38, 1-based): chr11:108,250,760, T>G. VCF-style: chr11-108250760-T-G. GRCh37 (hg19) VCF-style: chr11-108121487-T-G.
Other names: c.1295T>G, p.Leu432Arg (NM_001351834.2); short protein forms L432R.
Identifiers: ClinVar variation 928470 (VCV000928470.10), dbSNP rs546621356, ClinGen allele CA382533567.